The following is an entry in ClinVar:

NM_000431.4(MVK):c.382_383del (p.Ser128fs)

Gene: MVK (mevalonate kinase; plus strand). Cytogenetic location: 12q24.11.
Variant type: Deletion.
Coding change: c.382_383del on transcript NM_000431.4 (MANE Select); coding-DNA positions 382 to 383, 2 bases deleted (AG; older notation c.382_383delAG).
Protein change: p.Ser128fs; shifts the reading frame from serine 128.
Molecular consequence: frameshift variant. On other transcripts: 5 prime UTR variant (1), non-coding transcript variant (3), intron variant (2).
Genome position (GRCh38, 1-based): chr12:109,581,405-109,581,406, AG deleted; deleting any 2 consecutive bases within chr12:109,581,404-109,581,406 gives the same sequence; the c. name uses the placement nearest the transcript's 3' end. VCF-style (leftmost placement, unchanged base first): chr12-109581403-CGA-C. GRCh37 (hg19) VCF-style: chr12-110019208-CGA-C.
Other names: c.382_383del, p.Ser128fs (NM_001114185.3, NM_001414511.1, NM_001414512.1 and 1 more transcripts); c.-201_-200del (NM_001414515.1); c.371+1459_371+1460del (NM_001414514.1, NM_001301182.2); c.381_382del (NM_000431.4); short protein forms S128fs.
Identifiers: ClinVar variation 4845250 (VCV004845250.1).

ClinVar aggregate classification (germline): Pathogenic (1 of 4 stars; one submission).

Conditions:
Hyperimmunoglobulin D with periodic fever (HIDS). Also called: Hyperimmunoglobulinemia D with periodic fever; HYPERIMMUNOGLOBULINEMIA D AND PERIODIC FEVER SYNDROME; Hyperimmunoglobulinemia D. Identifiers: Orphanet 343, MedGen C0398691, MONDO:0009849, OMIM 260920.

Submission:

Precision Medical Center, Wuhan Children's Hospital
Classification: Pathogenic for Hyperimmunoglobulin D with periodic fever. Last evaluated: 2026-04-20. Review status: criteria provided, single submitter. Criteria: ACMG Guidelines, 2015. Collection method: clinical testing. Allele origin: germline. Inheritance: Autosomal recessive inheritance. Affected: yes. Observed: 1 variant allele, 1 compound heterozygote.
Comment: The NM_000431.4 c.381_382del, is a frameshift mutation in MVK gene, which likely results in an absent or disrupted protein product (PVS1). The variation does not exist or is very rare in the population database (PM2). In recessive genetic diseases (AR), pathogenic variations are detected at the trans allele. In summary, this variant meets criteria to be classified as pathogenic

Literature cited by the submitters: PubMed 10369261.